The following is an entry in ClinVar:

ClinVar aggregate classification (germline): Uncertain significance (1 of 4 stars; one submission).

Conditions:
Arthrogryposis, distal, type 1A. Also called: ARTHROGRYPOSIS MULTIPLEX CONGENITA, DISTAL, TYPE I. Identifiers: Orphanet 1146, MedGen C6022280, MONDO:0007157, OMIM 108120.

Submission:

Labcorp Genetics (formerly Invitae), Labcorp
Classification: Uncertain significance for Arthrogryposis, distal, type 1A. Last evaluated: 2025-06-19. Review status: criteria provided, single submitter. Criteria: Invitae Variant Classification Sherloc (09022015). Collection method: clinical testing. Allele origin: germline.
Comment: This sequence change replaces glutamine, which is neutral and polar, with arginine, which is basic and polar, at codon 73 of the TPM2 protein (p.Gln73Arg). This variant is present in population databases (rs775881940, gnomAD 0.01%). This variant has not been reported in the literature in individuals affected with TPM2-related conditions. Invitae Evidence Modeling of protein sequence and biophysical properties (such as structural, functional, and spatial information, amino acid conservation, physicochemical variation, residue mobility, and thermodynamic stability) indicates that this missense variant is not expected to disrupt TPM2 protein function with a negative predictive value of 80%. In summary, the available evidence is currently insufficient to determine the role of this variant in disease. Therefore, it has been classified as a Variant of Uncertain Significance.

NM_003289.4(TPM2):c.218A>G (p.Gln73Arg)

Gene: TPM2 (tropomyosin 2; minus strand). Cytogenetic location: 9p13.3.
Variant type: single nucleotide variant.
Coding change: c.218A>G on transcript NM_003289.4 (MANE Select); coding-DNA position 218, A replaced by G.
Protein change: p.Gln73Arg; replaces glutamine 73 with arginine.
Molecular consequence: missense variant.
Genome position (GRCh38, 1-based): chr9:35,689,168, T>C on the plus strand (A>G on the coding strand, the complement: TPM2 is on the minus strand). VCF-style: chr9-35689168-T-C. GRCh37 (hg19) VCF-style: chr9-35689165-T-C.
Other names: c.218A>G, p.Gln73Arg (NM_213674.1, NM_001301226.2, NM_001301227.2); short protein forms Q73R.
Identifiers: ClinVar variation 4767074 (VCV004767074.1).